The following is an entry in ClinVar:

ClinVar aggregate classification (germline): Uncertain significance (1 of 4 stars; one submission).

Conditions:
Spastic paraplegia. Identifiers: MedGen C0037772, HP:0001258.

Submission:

Labcorp Genetics (formerly Invitae), Labcorp
Classification: Uncertain significance for Spastic paraplegia. Last evaluated: 2016-10-04. Review status: criteria provided, single submitter. Criteria: Invitae Variant Classification Sherloc (09022015). Collection method: clinical testing. Allele origin: germline.
Comment: This variant is not present in population databases (ExAC no frequency) and has not been reported in the literature in individuals with a KIF5A-related disease. This sequence change replaces aspartic acid with histidine at codon 145 of the KIF5A protein (p.Asp145His). The aspartic acid residue is highly conserved and there is a moderate physicochemical difference between aspartic acid and histidine. Algorithms developed to predict the effect of missense changes on protein structure and function (SIFT, PolyPhen-2, Align-GVGD) all suggest that this variant is likely to be disruptive, but these predictions have not been confirmed by published functional studies. In summary, this variant is a rare missense change with uncertain impact on protein function. There is no indication that it causes disease, but the available evidence is currently insufficient to prove that conclusively. Therefore, it has been classified as a Variant of Uncertain Significance.

NM_004984.4(KIF5A):c.433G>C (p.Asp145His)

Gene: KIF5A (kinesin family member 5A; plus strand). Cytogenetic location: 12q13.3.
Variant type: single nucleotide variant.
Coding change: c.433G>C on transcript NM_004984.4 (MANE Select); coding-DNA position 433, G replaced by C.
Protein change: p.Asp145His; replaces aspartic acid 145 with histidine.
Molecular consequence: missense variant.
Genome position (GRCh38, 1-based): chr12:57,564,496, G>C. VCF-style: chr12-57564496-G-C. GRCh37 (hg19) VCF-style: chr12-57958279-G-C.
Other names: c.166G>C, p.Asp56His (NM_001354705.2); short protein forms D145H, D56H.
Identifiers: ClinVar variation 409665 (VCV000409665.8), dbSNP rs1060502522, ClinGen allele CA16614054.